The following is an entry in ClinVar:

ClinVar aggregate classification (germline): Uncertain significance (1 of 4 stars; one submission).

Allele frequency attached by ClinVar (database versions not stated): TOPMed below 0.00001; ExAC 0.00001; gnomAD 0.00001; gnomAD exomes 0.00001.
gnomAD v4.1: 15 of 1,613,698 alleles (0.00093%); highest among the groups gnomAD compares: Admixed American, 0.0017%; no homozygotes.

Submission:

Labcorp Genetics (formerly Invitae), Labcorp
Classification: Uncertain significance. Last evaluated: 2025-12-31. Review status: criteria provided, single submitter. Criteria: Invitae Variant Classification Sherloc (09022015). Collection method: clinical testing. Allele origin: germline.
Comment: This sequence change replaces cysteine, which is neutral and slightly polar, with serine, which is neutral and polar, at codon 2667 of the DCHS1 protein (p.Cys2667Ser). This variant is present in population databases (rs758545133, gnomAD 0.006%). This variant has not been reported in the literature in individuals affected with DCHS1-related conditions. ClinVar contains an entry for this variant (Variation ID: 1985208). Invitae Evidence Modeling of protein sequence and biophysical properties (such as structural, functional, and spatial information, amino acid conservation, physicochemical variation, residue mobility, and thermodynamic stability) indicates that this missense variant is expected to disrupt DCHS1 protein function with a positive predictive value of 80%. In summary, the available evidence is currently insufficient to determine the role of this variant in disease. Therefore, it has been classified as a Variant of Uncertain Significance.

NM_003737.4(DCHS1):c.8000G>C (p.Cys2667Ser)

Gene: DCHS1 (dachsous cadherin-related 1; minus strand). Cytogenetic location: 11p15.4.
Variant type: single nucleotide variant.
Coding change: c.8000G>C on transcript NM_003737.4 (MANE Select); coding-DNA position 8000, G replaced by C.
Protein change: p.Cys2667Ser; replaces cysteine 2667 with serine.
Molecular consequence: missense variant.
Genome position (GRCh38, 1-based): chr11:6,623,676, C>G on the plus strand (G>C on the coding strand, the complement: DCHS1 is on the minus strand). VCF-style: chr11-6623676-C-G. GRCh37 (hg19) VCF-style: chr11-6644907-C-G.
Other names: short protein forms C2667S.
Identifiers: ClinVar variation 1985208 (VCV001985208.4), dbSNP rs758545133, ClinGen allele CA5859502.